The following is an entry in ClinVar:

ClinVar aggregate classification (germline): Uncertain significance. Review status: criteria provided, single submitter (1 of 4 stars). 3 submissions from 3 submitters: Uncertain significance (1). 2 of the submissions do not count toward it. Last evaluated 2025-01-25.

Conditions:
Inborn genetic diseases. Identifiers: MedGen C0950123, MeSH D030342.
Xeroderma pigmentosum, group C (XPC). Also called: XPC-Related Xeroderma Pigmentosum; Xeroderma pigmentosum, complementation group C; XERODERMA PIGMENTOSUM III; XP, GROUP C. Identifiers: Orphanet 910, MedGen C2752147, MONDO:0010211, OMIM 278720.

Allele frequency attached by ClinVar (database versions not stated): gnomAD exomes 0.00001; ExAC 0.00002; TOPMed 0.00005; gnomAD 0.00007; ESP Exome Variant Server 0.00008.
gnomAD v4.1: 18 of 1,608,990 alleles (0.0011%); highest among the groups gnomAD compares: African/African-American, 0.02%; no homozygotes.

Submissions (3):

Ambry Genetics
Classification: Uncertain significance for Inborn genetic diseases. Last evaluated: 2025-01-25. Review status: criteria provided, single submitter. Criteria: Ambry Variant Classification Scheme 2023. Collection method: clinical testing. Allele origin: germline.

Counsyl
Classification: Uncertain significance for Xeroderma pigmentosum, group C. Last evaluated: 2017-10-09. Review status: no assertion criteria provided. Collection method: clinical testing. Allele origin: unknown. Not counted in ClinVar's aggregate classification.

ITMI
No classification provided. Condition: AllHighlyPenetrant. Last evaluated: 2013-09-19. Review status: no classification provided. Collection method: reference population. Allele origin: germline. Not counted in ClinVar's aggregate classification.
Comment: Please see associated publication for description of ethnicities

Literature cited by the submitters: PubMed 24728327 (cited by ITMI).

NM_004628.5(XPC):c.2621C>T (p.Pro874Leu)

Gene: XPC (XPC complex subunit, DNA damage recognition and repair factor; minus strand). Cytogenetic location: 3p25.1.
Variant type: single nucleotide variant.
Coding change: c.2621C>T on transcript NM_004628.5 (MANE Select); coding-DNA position 2621, C replaced by T.
Protein change: p.Pro874Leu; replaces proline 874 with leucine.
Molecular consequence: missense variant. On other transcripts: non-coding transcript variant (2).
Genome position (GRCh38, 1-based): chr3:14,146,143, G>A on the plus strand (C>T on the coding strand, the complement: XPC is on the minus strand). VCF-style: chr3-14146143-G-A. GRCh37 (hg19) VCF-style: chr3-14187643-G-A.
Other names: c.2042C>T, p.Pro681Leu (NM_001354726.2); c.2615C>T, p.Pro872Leu (NM_001354727.2); c.2603C>T, p.Pro868Leu (NM_001354729.2); c.2375C>T, p.Pro792Leu (NM_001354730.2); short protein forms P874L, P792L, P868L, P681L, P872L.
Identifiers: ClinVar variation 135473 (VCV000135473.3), dbSNP rs375859472, ClinGen allele CA162877.
Genomic context (GRCh38, chr3:14,146,143, plus strand): 5'-GCTTGAGAGCTGGTCCCCTCCTCTTCATCAGAAGAGAGTCCACCTCCTGCATCTGTGTGG[G>A]GAGCTGCTGCCTCACTCTGGACAGGTGGCAGTGGTGGGAGGACACAGGCGAGGGTTAGTA-3'
Protein context (NP_004619.3, residues 864-884): RYGPKSEAAA[Pro874Leu]HTDAGGGLSS